The following is an entry in ClinVar:

NM_000135.4(FANCA):c.1874G>A (p.Cys625Tyr)

Gene: FANCA (FA complementation group A; minus strand). Cytogenetic location: 16q24.3.
Variant type: single nucleotide variant.
Coding change: c.1874G>A on transcript NM_000135.4 (MANE Select); coding-DNA position 1874, G replaced by A.
Protein change: p.Cys625Tyr; replaces cysteine 625 with tyrosine.
Molecular consequence: missense variant.
Genome position (GRCh38, 1-based): chr16:89,775,768, C>T on the plus strand (G>A on the coding strand, the complement: FANCA is on the minus strand). VCF-style: chr16-89775768-C-T. GRCh37 (hg19) VCF-style: chr16-89842176-C-T.
Other names: c.1874G>A (NM_000135.3, LRG_495t1); c.1874G>A, p.Cys625Tyr (NM_001286167.3); short protein forms C625Y.
Identifiers: ClinVar variation 657750 (VCV000657750.15), dbSNP rs139235751, ClinGen allele CA8251995.

ClinVar aggregate classification (germline): Uncertain significance. Review status: criteria provided, multiple submitters, no conflicts (2 of 4 stars). 5 submissions from 5 submitters: Uncertain significance (4). 1 of the submissions does not count toward it. Last evaluated 2025-09-08.

Conditions:
Fanconi anemia (FA). Also called: Fanconi's anemia. Identifiers: Orphanet 84, MedGen C0015625, MeSH D005199, MONDO:0019391.
Fanconi anemia complementation group A (FANCA). Also called: FANCA-Related Fanconi Anemia; Fanconi anemia, group A. Identifiers: Orphanet 84, MedGen C3469521, MONDO:0009215, OMIM 227650.

Allele frequency attached by ClinVar (database versions not stated): TOPMed 0.00003.
gnomAD v4.1: 4 of 1,612,776 alleles (0.00025%); highest among the groups gnomAD compares: East Asian, 0.0089%; no homozygotes.

Submissions (5):

Quest Diagnostics Nichols Institute San Juan Capistrano
Classification: Uncertain significance. Last evaluated: 2025-09-08. Review status: criteria provided, single submitter. Criteria: Quest Diagnostics criteria. Collection method: clinical testing. Allele origin: unknown.
Comment: The FANCA c.1874G>A (p.Cys625Tyr) variant has been reported in the published literature in an individual suspected of Fanconi anemia (PMID: 35929646 (2021)). The frequency of this variant in the general population (Genome Aggregation Database) is uninformative in the assessment of its pathogenicity. Analysis of this variant using bioinformatics tools for the prediction of the effect of amino acid changes on protein structure and function yielded conflicting predictions that this variant is benign or damaging. Based on the available information, we are unable to determine the clinical significance of this variant.

Labcorp Genetics (formerly Invitae), Labcorp
Classification: Uncertain significance for Fanconi anemia. Last evaluated: 2025-07-21. Review status: criteria provided, single submitter. Criteria: Invitae Variant Classification Sherloc (09022015). Collection method: clinical testing. Allele origin: germline.
Comment: This sequence change replaces cysteine, which is neutral and slightly polar, with tyrosine, which is neutral and polar, at codon 625 of the FANCA protein (p.Cys625Tyr). This variant is present in population databases (rs139235751, gnomAD 0.03%). This variant has not been reported in the literature in individuals affected with FANCA-related conditions. ClinVar contains an entry for this variant (Variation ID: 657750). Invitae Evidence Modeling of protein sequence and biophysical properties (such as structural, functional, and spatial information, amino acid conservation, physicochemical variation, residue mobility, and thermodynamic stability) indicates that this missense variant is expected to disrupt FANCA protein function with a positive predictive value of 95%. In summary, the available evidence is currently insufficient to determine the role of this variant in disease. Therefore, it has been classified as a Variant of Uncertain Significance.

Fulgent Genetics
Classification: Uncertain significance for Fanconi anemia complementation group A. Last evaluated: 2024-01-06. Review status: criteria provided, single submitter. Criteria: ACMG Guidelines, 2015. Collection method: clinical testing. Allele origin: germline.

Juno Genomics, Hangzhou Juno Genomics, Inc
Classification: Uncertain significance for Fanconi anemia complementation group A. Review status: criteria provided, single submitter. Criteria: ACMG Guidelines, 2015. Collection method: clinical testing. Allele origin: germline.
Comment: Absent from controls (or at extremely low frequency if recessive) in Genome Aggregation Database.;Multiple lines of computational evidence support a deleterious effect on the gene or gene product.

Natera, Inc.
Classification: Uncertain significance for Fanconi anemia. Last evaluated: 2021-02-02. Review status: no assertion criteria provided. Collection method: clinical testing. Allele origin: germline. Not counted in ClinVar's aggregate classification.

Literature cited by the submitters: PubMed 35929646 (cited by Quest Diagnostics Nichols Institute San Juan Capistrano).